The following is an entry in ClinVar:

NM_000257.4(MYH7):c.5656-9C>T

Gene: MYH7 (myosin heavy chain 7; minus strand). Cytogenetic location: 14q11.2.
Variant type: single nucleotide variant.
Coding change: c.5656-9C>T on transcript NM_000257.4 (MANE Select); 9 bases into the intron before coding-DNA position 5656, C replaced by T.
Molecular consequence: intron variant.
Genome position (GRCh38, 1-based): chr14:23,413,902, G>A on the plus strand (C>T on the coding strand, the complement: MYH7 is on the minus strand). VCF-style: chr14-23413902-G-A. GRCh37 (hg19) VCF-style: chr14-23883111-G-A.
Other names: c.5656-9C>T (LRG_384t1).
Identifiers: ClinVar variation 510983 (VCV000510983.22), dbSNP rs781212482, ClinGen allele CA047910.
Genomic context (GRCh38, chr14:23,413,902, plus strand): 5'-GCTCGTGCTGCACCTTGCGGAACTTGGACAGGTTGGTGTTGGCTTGCTCCTCCTGCGGGA[G>A]GTGGGAGCATGAGGTGAGAGGGGGCCTGGGTTCTCAGACTCCTGGCTTGGGGGACGAGCT-3'

ClinVar aggregate classification (germline): Likely benign. Review status: criteria provided, multiple submitters, no conflicts (2 of 4 stars). 7 submissions from 7 submitters: Likely benign (7). Last evaluated 2025-12-24.

Conditions:
Dilated cardiomyopathy 1S (CMD1S). Identifiers: Orphanet 154, Orphanet 54260, MedGen C1834481, MONDO:0013262, OMIM 613426.
Myopathy, myosin storage, autosomal recessive (CMYO7B). Also called: CONGENITAL MYOPATHY 7B, MYOSIN STORAGE, AUTOSOMAL RECESSIVE. Identifiers: Orphanet 636970, MedGen C1850709, MONDO:0009708, OMIM 255160.
Congenital myopathy with fiber type disproportion. Also called: Congenital fiber-type disproportion; Congenital fiber-type disproportion myopathy. Identifiers: Orphanet 2020, MedGen C0546264, MONDO:0009711. Inheritance: all.
Myosin storage myopathy (CMYO7A). Also called: MYH7-related late-onset scapuloperoneal muscular dystrophy; Congenital myopathy 7A, myosin storage, autosomal dominant; Scapuloperoneal myopathy, MYH7-related; SCAPULOPERONEAL MUSCULAR DYSTROPHY; SCAPULOPERONEAL SYNDROME, MYOPATHIC TYPE; MYOPATHY, HYALINE BODY, AUTOSOMAL DOMINANT. Identifiers: Orphanet 437572, Orphanet 636965, MedGen C1842160, MONDO:0008409, OMIM 608358.
Hypertrophic cardiomyopathy 1 (CMH1). Also called: Familial hypertrophic cardiomyopathy 1; MYH7-Related Familial Hypertrophic Cardiomyopathy. Identifiers: MedGen C3495498, MONDO:0008647, OMIM 192600.
MYH7-related skeletal myopathy. Also called: Myopathy, distal, 1; Laing early-onset distal myopathy; MYOPATHY, DISTAL, EARLY-ONSET, AUTOSOMAL DOMINANT; MYOPATHY, LATE DISTAL HEREDITARY; Laing distal myopathy. Identifiers: Orphanet 59135, MedGen C4552004, MONDO:0008050, OMIM 160500.
Hypertrophic cardiomyopathy. Also called: HYPERTROPHIC MYOCARDIOPATHY. Identifiers: Orphanet 217569, MedGen C0007194, MeSH D002312, MONDO:0005045, HP:0001639.
Cardiomyopathy (CMYO). Also called: Cardiomyopathies. Identifiers: Orphanet 167848, MedGen C0878544, MONDO:0004994, HP:0001638. Inheritance: Various modes of inheritance.

Allele frequency attached by ClinVar (database versions not stated): ExAC 0.00001; gnomAD exomes 0.00001 and 0.00004; gnomAD 0.00019 and 0.00021; TOPMed 0.00020.
gnomAD v4.1: 48 of 1,614,126 alleles (0.003%); highest among the groups gnomAD compares: Admixed American, 0.062%; no homozygotes.

Submissions (7):

Labcorp Genetics (formerly Invitae), Labcorp
Classification: Likely benign for Hypertrophic cardiomyopathy. Last evaluated: 2025-12-24. Review status: criteria provided, single submitter. Criteria: Invitae Variant Classification Sherloc (09022015). Collection method: clinical testing. Allele origin: germline.

Blueprint Genetics
Classification: Likely benign. Last evaluated: 2024-01-03. Review status: criteria provided, single submitter. Criteria: ACMG Guidelines, 2015. Collection method: clinical testing. Allele origin: germline.

All of Us Research Program, National Institutes of Health
Classification: Likely benign for Cardiomyopathy. Last evaluated: 2023-11-30. Review status: criteria provided, single submitter. Criteria: ACMG Guidelines, 2015. Collection method: clinical testing. Allele origin: germline. Inheritance: Autosomal dominant inheritance. Observed: 4 variant alleles, 4 heterozygotes.
Comment: This study involves interpretation of variants in research participants for the purpose of population health screening. Participant phenotype was not available at the time of variant classification. Additional details can be found in publication PMID: 35346344, PMCID: PMC8962531

Fulgent Genetics
Classification: Likely benign for MYH7-related skeletal myopathy; Myosin storage myopathy; Hypertrophic cardiomyopathy 1; Myopathy, myosin storage, autosomal recessive; Congenital myopathy 4A, autosomal dominant; Dilated cardiomyopathy 1S. Last evaluated: 2021-07-08. Review status: criteria provided, single submitter. Criteria: ACMG Guidelines, 2015. Collection method: clinical testing. Allele origin: unknown.

ARUP Laboratories, Molecular Genetics and Genomics, ARUP Laboratories
Classification: Likely benign. Last evaluated: 2021-05-22. Review status: criteria provided, single submitter. Criteria: ARUP Molecular Germline Variant Investigation Process 2021. Collection method: clinical testing. Allele origin: germline.

Color Diagnostics, LLC DBA Color Health
Classification: Likely benign for Cardiomyopathy. Last evaluated: 2018-11-23. Review status: criteria provided, single submitter. Criteria: ACMG Guidelines, 2015. Collection method: clinical testing. Allele origin: germline.

GeneDx
Classification: Likely benign. Last evaluated: 2018-02-12. Review status: criteria provided, single submitter. Criteria: GeneDx Variant Classification (06012015). Collection method: clinical testing. Allele origin: germline. Affected: yes.
Comment: This variant is considered likely benign or benign based on one or more of the following criteria: it is a conservative change, it occurs at a poorly conserved position in the protein, it is predicted to be benign by multiple in silico algorithms, and/or has population frequency not consistent with disease.